The following is an entry in ClinVar:

NM_006949.4(STXBP2):c.413T>A (p.Leu138His)

Gene: STXBP2 (syntaxin binding protein 2; plus strand). Cytogenetic location: 19p13.2.
Variant type: single nucleotide variant.
Coding change: c.413T>A on transcript NM_006949.4 (MANE Select); coding-DNA position 413, T replaced by A.
Protein change: p.Leu138His; replaces leucine 138 with histidine.
Molecular consequence: missense variant. On other transcripts: non-coding transcript variant (1).
Genome position (GRCh38, 1-based): chr19:7,640,987, T>A. VCF-style: chr19-7640987-T-A. GRCh37 (hg19) VCF-style: chr19-7705873-T-A.
Other names: c.404T>A, p.Leu135His (NM_001127396.3); c.446T>A, p.Leu149His (NM_001272034.2); short protein forms L135H, L138H, L149H.
Identifiers: ClinVar variation 1015351 (VCV001015351.10), dbSNP rs1185698344, ClinGen allele CA403157747.

ClinVar aggregate classification (germline): Uncertain significance (1 of 4 stars; one submission).

Conditions:
Familial hemophagocytic lymphohistiocytosis 5. Also called: STXBP2-Related Familial Hemophagocytic Lymphohistiocytosis (STXBP2-fHLH). Identifiers: Orphanet 540, MedGen C2751293, MONDO:0013135, OMIM 613101.

Allele frequency attached by ClinVar (database versions not stated): gnomAD exomes below 0.00001; TOPMed below 0.00001; gnomAD 0.00001.
gnomAD v4.1: 2 of 1,614,024 alleles (0.00012%); highest among the groups gnomAD compares: Non-Finnish European, 0.00017%; no homozygotes.

Submission:

Labcorp Genetics (formerly Invitae), Labcorp
Classification: Uncertain significance for Familial hemophagocytic lymphohistiocytosis 5. Last evaluated: 2020-02-20. Review status: criteria provided, single submitter. Criteria: Invitae Variant Classification Sherloc (09022015). Collection method: clinical testing. Allele origin: germline.
Comment: In summary, the available evidence is currently insufficient to determine the role of this variant in disease. Therefore, it has been classified as a Variant of Uncertain Significance. Algorithms developed to predict the effect of missense changes on protein structure and function are either unavailable or do not agree on the potential impact of this missense change (SIFT: "Deleterious"; PolyPhen-2: "Probably Damaging"; Align-GVGD: "Class C0"). This variant has not been reported in the literature in individuals with STXBP2-related conditions. This variant is not present in population databases (ExAC no frequency). This sequence change replaces leucine with histidine at codon 138 of the STXBP2 protein (p.Leu138His). The leucine residue is moderately conserved and there is a moderate physicochemical difference between leucine and histidine.